The following is an entry in ClinVar:

NM_001379610.1(SPINK1):c.128A>G (p.Tyr43Cys)

Gene: SPINK1 (serine peptidase inhibitor Kazal type 1; minus strand). Cytogenetic location: 5q32.
Variant type: single nucleotide variant.
Coding change: c.128A>G on transcript NM_001379610.1 (MANE Select); coding-DNA position 128, A replaced by G.
Protein change: p.Tyr43Cys; replaces tyrosine 43 with cysteine.
Molecular consequence: missense variant.
Genome position (GRCh38, 1-based): chr5:147,828,088, T>C on the plus strand (A>G on the coding strand, the complement: SPINK1 is on the minus strand). VCF-style: chr5-147828088-T-C. GRCh37 (hg19) VCF-style: chr5-147207651-T-C.
Other names: c.128A>G, p.Tyr43Cys (NM_001354966.2, NM_003122.5); short protein forms Y43C.
Identifiers: ClinVar variation 633005 (VCV000633005.6), dbSNP rs1561605311, ClinGen allele CA361885302.

ClinVar aggregate classification (germline): Uncertain significance. Review status: criteria provided, multiple submitters, no conflicts (2 of 4 stars). 3 submissions from 3 submitters: Uncertain significance (3). Last evaluated 2022-09-29.

Conditions:
Hereditary pancreatitis (PCTT). Also called: Hereditary chronic pancreatitis; PRSS1-Related Hereditary Pancreatitis. Identifiers: Orphanet 676, MedGen C0238339, MONDO:0008185, OMIM 167800.

Submissions (3):

ARUP Laboratories, Molecular Genetics and Genomics, ARUP Laboratories
Classification: Uncertain significance. Last evaluated: 2022-09-29. Review status: criteria provided, single submitter. Criteria: ARUP Molecular Germline Variant Investigation Process 2021. Collection method: clinical testing. Allele origin: germline.
Comment: The SPINK1 c.128A>G; p.Tyr43Cys variant (rs1561605311), to our knowledge, is not reported in the medical literature but is reported in ClinVar (Variation ID: 633005). This variant is absent from the Genome Aggregation Database, indicating it is not a common polymorphism. The tyrosine at codon 43 is highly conserved, and computational analyses are uncertain whether this variant is neutral or deleterious (REVEL: 0.494). Due to limited information, the clinical significance of this variant is uncertain at this time.

Women's Health and Genetics/Laboratory Corporation of America, LabCorp
Classification: Uncertain significance. Last evaluated: 2018-12-20. Review status: criteria provided, single submitter. Criteria: LabCorp Variant Classification Summary - May 2015. Collection method: clinical testing. Allele origin: germline.
Comment: Variant summary: SPINK1 c.128A>G (p.Tyr43Cys) results in a non-conservative amino acid change located in the Kazal domain of the encoded protein sequence. Three of five in-silico tools predict a damaging effect of the variant on protein function. The variant was absent in 245114 control chromosomes (gnomAD). The available data on variant occurrences in the general population are insufficient to allow any conclusion about variant significance. To our knowledge, no occurrence of c.128A>G in individuals affected with Chronic Pancreatitis Risk and no experimental evidence demonstrating its impact on protein function have been reported. No clinical diagnostic laboratories have submitted clinical-significance assessments for this variant to ClinVar after 2014. Based on the evidence outlined above, the variant was classified as uncertain significance.

Ambry Genetics
Classification: Uncertain significance for Hereditary pancreatitis. Last evaluated: 2017-04-06. Review status: criteria provided, single submitter. Criteria: Ambry Variant Classification Scheme 2023. Collection method: clinical testing. Allele origin: germline.
Comment: The p.Y43C variant (also known as c.128A>G), located in coding exon 3 of the SPINK1 gene, results from an A to G substitution at nucleotide position 128. The tyrosine at codon 43 is replaced by cysteine, an amino acid with highly dissimilar properties. This amino acid position is well conserved in available vertebrate species. In addition, this alteration is predicted to be deleterious by in silico analysis. Since supporting evidence is limited at this time, the clinical significance of this alteration remains unclear.